The following is an entry in ClinVar:

NM_007074.4(CORO1A):c.674_677del (p.Arg225fs)

Genes: CORO1A (coronin 1A; plus strand), LOC121587541 (Sharpr-MPRA regulatory region 7413; plus strand). Cytogenetic location: 16p11.2.
Variant type: Microsatellite.
Coding change: c.674_677del on transcript NM_007074.4 (MANE Select); coding-DNA positions 674 to 677, 4 bases deleted (GTGC; older notation c.674_677delGTGC).
Protein change: p.Arg225fs; shifts the reading frame from arginine 225.
Molecular consequence: frameshift variant.
Genome position (GRCh38, 1-based): chr16:30,187,419-30,187,422, GTGC deleted; deleting any 4 consecutive bases within chr16:30,187,414-30,187,422 gives the same sequence; the c. name uses the placement nearest the transcript's 3' end. VCF-style (leftmost placement, unchanged base first): chr16-30187413-CCGTG-C. GRCh37 (hg19) VCF-style: chr16-30198734-CCGTG-C.
Other names: c.674_677del, p.Arg225fs (NM_001193333.3); c.674_677delGTGC (NM_007074.3); short protein forms R225fs.
Identifiers: ClinVar variation 663029 (VCV000663029.7), dbSNP rs1213680890, ClinGen allele CA719813887.

ClinVar aggregate classification (germline): Pathogenic (1 of 4 stars; one submission).

Conditions:
Severe combined immunodeficiency due to CORO1A deficiency. Also called: Immunodeficiency 8; IMMUNODEFICIENCY 8 WITH LYMPHOPROLIFERATION. Identifiers: Orphanet 228003, MedGen C3809383, MONDO:0014168, OMIM 615401.

Submission:

Labcorp Genetics (formerly Invitae), Labcorp
Classification: Pathogenic for Severe combined immunodeficiency due to CORO1A deficiency. Last evaluated: 2018-12-03. Review status: criteria provided, single submitter. Criteria: Invitae Variant Classification Sherloc (09022015). Collection method: clinical testing. Allele origin: germline.
Comment: For these reasons, this variant has been classified as Pathogenic. Loss-of-function variants in CORO1A are known to be pathogenic (PMID: 18836449, 25073507). This variant has not been reported in the literature in individuals with CORO1A-related conditions. This variant is not present in population databases (ExAC no frequency). This sequence change creates a premature translational stop signal (p.Arg225Glnfs*10) in the CORO1A gene. It is expected to result in an absent or disrupted protein product.

Literature cited by the submitters: PubMed 18836449; PubMed 25073507.